The following is an entry in ClinVar:

ClinVar aggregate classification (germline): Uncertain significance (1 of 4 stars; one submission).

Conditions:
Autosomal dominant nocturnal frontal lobe epilepsy 1. Also called: EPILEPSY, NOCTURNAL FRONTAL LOBE, TYPE 1; CHRNA4-Related Nocturnal Frontal Lobe Epilepsy, Autosomal Dominant. Identifiers: Orphanet 98784, MedGen C1838049, MONDO:0010899, OMIM 600513.

Submission:

GeNE CliniK, Regional Hospital Limbe
Classification: Uncertain significance for Autosomal dominant nocturnal frontal lobe epilepsy 1. Last evaluated: 2025-06-01. Review status: criteria provided, single submitter. Criteria: ACMG Guidelines, 2015. Collection method: research. Allele origin: maternal. Inheritance: Autosomal dominant inheritance. Affected: no.
Comment: The NM_000744.7(CHRNA4):c.315T>G variant is a heterozygous single-nucleotide variant resulting in a premature stop codon at amino acid position 105 (p.Tyr105Ter). This stop-gained variant is predicted to cause loss of normal protein function either through nonsense-mediated mRNA decay or production of a truncated protein (PVS1). The variant is not reported in gnomAD, and no population frequency data is available (PM2). Based on current evidence, the variant is classified as Uncertain significance (criteria applied: PVS1, PM2).

NM_000744.7(CHRNA4):c.315T>G (p.Tyr105Ter)

Genes: CHRNA4 (cholinergic receptor nicotinic alpha 4 subunit; minus strand), LOC126863087 (P300/CBP strongly-dependent group 1 enhancer GRCh37_chr20:61986832-61988031; plus strand). Cytogenetic location: 20q13.33.
Variant type: single nucleotide variant.
Coding change: c.315T>G on transcript NM_000744.7 (MANE Select); coding-DNA position 315, T replaced by G.
Protein change: p.Tyr105Ter; replaces tyrosine 105 with a stop codon.
Molecular consequence: nonsense. On other transcripts: 5 prime UTR variant (1), non-coding transcript variant (1).
Genome position (GRCh38, 1-based): chr20:63,356,043, A>C on the plus strand (T>G on the coding strand, the complement: CHRNA4 is on the minus strand). VCF-style: chr20-63356043-A-C. GRCh37 (hg19) VCF-style: chr20-61987395-A-C.
Other names: c.-232T>G (NM_001256573.2); short protein forms Y105*.
Identifiers: ClinVar variation 4075764 (VCV004075764.1).